The following is an entry in ClinVar:

NM_001113378.2(FANCI):c.3242C>T (p.Ala1081Val)

Gene: FANCI (FA complementation group I; plus strand). Cytogenetic location: 15q26.1.
Variant type: single nucleotide variant.
Coding change: c.3242C>T on transcript NM_001113378.2 (MANE Select); coding-DNA position 3242, C replaced by T.
Protein change: p.Ala1081Val; replaces alanine 1081 with valine.
Molecular consequence: missense variant.
Genome position (GRCh38, 1-based): chr15:89,305,396, C>T. VCF-style: chr15-89305396-C-T. GRCh37 (hg19) VCF-style: chr15-89848627-C-T.
Other names: c.2963C>T, p.Ala988Val (NM_001376910.1); c.3242C>T, p.Ala1081Val (NM_001376911.1); c.3062C>T, p.Ala1021Val (NM_018193.3); short protein forms A988V, A1021V, A1081V.
Identifiers: ClinVar variation 1961619 (VCV001961619.2), dbSNP rs756578014, ClinGen allele CA393739788.
Genomic context (GRCh38, chr15:89,305,396, plus strand): 5'-CCCAGGATGTAGAGGTGGAGAAAACAAACCACTTTGCAATAGTGAATTTGAGAACGGCTG[C>T]CCCCACTGTCTGTGTAAGTGTTGTACCTGAGCCATGGGGAATAGCTTTGTCATTCTTTCC-3'
Protein context (NP_001106849.1, residues 1071-1091): HFAIVNLRTA[Ala1081Val]PTVCLLVLSQ

ClinVar aggregate classification (germline): Uncertain significance (1 of 4 stars; one submission).

Conditions:
Fanconi anemia (FA). Also called: Fanconi's anemia. Identifiers: Orphanet 84, MedGen C0015625, MeSH D005199, MONDO:0019391.

Allele frequency attached by ClinVar (database versions not stated): TOPMed below 0.00001.
gnomAD v4.1: 1 of 1,613,274 alleles (0.000062%); no homozygotes.

Submission:

Labcorp Genetics (formerly Invitae), Labcorp
Classification: Uncertain significance for Fanconi anemia. Last evaluated: 2022-08-26. Review status: criteria provided, single submitter. Criteria: Invitae Variant Classification Sherloc (09022015). Collection method: clinical testing. Allele origin: germline.
Comment: This sequence change replaces alanine, which is neutral and non-polar, with valine, which is neutral and non-polar, at codon 1081 of the FANCI protein (p.Ala1081Val). This variant is not present in population databases (gnomAD no frequency). This variant has not been reported in the literature in individuals affected with FANCI-related conditions. Algorithms developed to predict the effect of missense changes on protein structure and function (SIFT, PolyPhen-2, Align-GVGD) all suggest that this variant is likely to be tolerated. In summary, the available evidence is currently insufficient to determine the role of this variant in disease. Therefore, it has been classified as a Variant of Uncertain Significance.